The following is an entry in ClinVar:

NM_004360.5(CDH1):c.1529C>T (p.Ala510Val)

Gene: CDH1 (cadherin 1; plus strand). Cytogenetic location: 16q22.1.
Variant type: single nucleotide variant.
Coding change: c.1529C>T on transcript NM_004360.5 (MANE Select); coding-DNA position 1529, C replaced by T.
Protein change: p.Ala510Val; replaces alanine 510 with valine.
Molecular consequence: missense variant. On other transcripts: 5 prime UTR variant (2).
Genome position (GRCh38, 1-based): chr16:68,815,723, C>T. VCF-style: chr16-68815723-C-T. GRCh37 (hg19) VCF-style: chr16-68849626-C-T.
Other names: c.1346C>T, p.Ala449Val (NM_001317184.2); c.-20C>T (NM_001317185.2); c.-291C>T (NM_001317186.2); c.1529C>T (NM_004360.3); short protein forms A449V, A510V.
Identifiers: ClinVar variation 999578 (VCV000999578.9), dbSNP rs1344960746, ClinGen allele CA396463465.

ClinVar aggregate classification (germline): Uncertain significance. Review status: criteria provided, multiple submitters, no conflicts (2 of 4 stars). 3 submissions from 3 submitters: Uncertain significance (3). Last evaluated 2024-01-12.

Conditions:
Hereditary cancer-predisposing syndrome. Also called: Neoplastic Syndromes, Hereditary; Hereditary neoplastic syndrome; Hereditary Cancer Syndrome; Tumor predisposition. Identifiers: Orphanet 140162, MedGen C0027672, MeSH D009386, MONDO:0015356.
Hereditary diffuse gastric adenocarcinoma (HDGC). Also called: DIFFUSE GASTRIC AND LOBULAR BREAST CANCER SYNDROME. Identifiers: Orphanet 26106, MedGen C1708349, MONDO:0007648, OMIM 137215.

Allele frequency attached by ClinVar (database versions not stated): gnomAD exomes below 0.00001.
gnomAD v4.1: 1 of 1,614,202 alleles (0.000062%); highest among the groups gnomAD compares: African/African-American, 0.0013%; no homozygotes.

Submissions (3):

Ambry Genetics
Classification: Uncertain significance for Hereditary cancer-predisposing syndrome. Last evaluated: 2024-01-12. Review status: criteria provided, single submitter. Criteria: Ambry Variant Classification Scheme 2023. Collection method: clinical testing. Allele origin: germline.
Comment: The p.A510V variant (also known as c.1529C>T), located in coding exon 10 of the CDH1 gene, results from a C to T substitution at nucleotide position 1529. The alanine at codon 510 is replaced by valine, an amino acid with similar properties. This amino acid position is conserved. In addition, this alteration is predicted to be deleterious by in silico analysis. Since supporting evidence is limited at this time, the clinical significance of this alteration remains unclear.

GeneDx
Classification: Uncertain significance. Last evaluated: 2023-03-28. Review status: criteria provided, single submitter. Criteria: GeneDx Variant Classification Process June 2021. Collection method: clinical testing. Allele origin: germline. Affected: yes.
Comment: Not observed at significant frequency in large population cohorts (gnomAD); In silico analysis supports that this missense variant has a deleterious effect on protein structure/function; Has not been previously published as pathogenic or benign to our knowledge; This variant is associated with the following publications: (PMID: 15235021, 22850631)

Labcorp Genetics (formerly Invitae), Labcorp
Classification: Uncertain significance for Hereditary diffuse gastric adenocarcinoma. Last evaluated: 2022-04-08. Review status: criteria provided, single submitter. Criteria: Invitae Variant Classification Sherloc (09022015). Collection method: clinical testing. Allele origin: germline.
Comment: This sequence change replaces alanine, which is neutral and non-polar, with valine, which is neutral and non-polar, at codon 510 of the CDH1 protein (p.Ala510Val). In summary, the available evidence is currently insufficient to determine the role of this variant in disease. Therefore, it has been classified as a Variant of Uncertain Significance. Algorithms developed to predict the effect of missense changes on protein structure and function (SIFT, PolyPhen-2, Align-GVGD) all suggest that this variant is likely to be disruptive. ClinVar contains an entry for this variant (Variation ID: 999578). This variant has not been reported in the literature in individuals affected with CDH1-related conditions. This variant is present in population databases (no rsID available, gnomAD 0.007%).